The following is an entry in ClinVar:

ClinVar aggregate classification (germline): Conflicting classifications of pathogenicity. Review status: criteria provided, conflicting classifications (1 of 4 stars). 5 submissions from 5 submitters: Uncertain significance (1); Likely benign (3). 1 of the submissions does not count toward it. Last evaluated 2026-01-12.

Conditions:
TRPM1-related disorder. Also called: TRPM1-related condition.
Hereditary macular dystrophy. Also called: Genetic macular dystrophy. Identifiers: MedGen C0339508, MONDO:0020242.

Allele frequency attached by ClinVar (database versions not stated): gnomAD exomes 0.00039; ExAC 0.00048; 1000 Genomes Project 0.00100; 1000 Genomes Project 30x 0.00125; gnomAD 0.00159 and 0.00170; ESP Exome Variant Server 0.00163; TOPMed 0.00179.

Submissions (5):

Labcorp Genetics (formerly Invitae), Labcorp
Classification: Likely benign. Last evaluated: 2026-01-12. Review status: criteria provided, single submitter. Criteria: Invitae Variant Classification Sherloc (09022015). Collection method: clinical testing. Allele origin: germline.

Blueprint Genetics
Classification: Likely benign. Last evaluated: 2024-08-26. Review status: criteria provided, single submitter. Criteria: ACMG Guidelines, 2015. Collection method: clinical testing. Allele origin: germline.

Cambridge Genomics Laboratory, East Genomic Laboratory Hub, NHS Genomic Medicine Service
Classification: Uncertain significance for Hereditary macular dystrophy. Last evaluated: 2019-04-17. Review status: criteria provided, single submitter. Criteria: ACGS Best Practice Guidelines for Variant Classification in Rare Disease 2020. Collection method: clinical testing. Allele origin: germline. Affected: yes. Observed: 1 variant allele.

Breakthrough Genomics
Classification: Likely benign. Review status: criteria provided, single submitter. Criteria: ACMG Guidelines, 2015. Collection method: not provided. Allele origin: germline. Inheritance: Unknown mechanism. Affected: yes.

PreventionGenetics, part of Exact Sciences
Classification: Likely benign for TRPM1-related condition. Last evaluated: 2024-09-10. Review status: no assertion criteria provided. Collection method: clinical testing. Allele origin: germline. Not counted in ClinVar's aggregate classification.
Comment: This variant is classified as likely benign based on ACMG/AMP sequence variant interpretation guidelines (Richards et al. 2015 PMID: 25741868, with internal and published modifications).

NM_001252024.2(TRPM1):c.1484G>A (p.Arg495His)

Gene: TRPM1 (transient receptor potential cation channel subfamily M member 1; minus strand). Cytogenetic location: 15q13.3.
Variant type: single nucleotide variant.
Coding change: c.1484G>A on transcript NM_001252024.2 (MANE Select); coding-DNA position 1484, G replaced by A.
Protein change: p.Arg495His; replaces arginine 495 with histidine.
Molecular consequence: missense variant.
Genome position (GRCh38, 1-based): chr15:31,049,463, C>T on the plus strand (G>A on the coding strand, the complement: TRPM1 is on the minus strand). VCF-style: chr15-31049463-C-T. GRCh37 (hg19) VCF-style: chr15-31341666-C-T.
Other names: c.1535G>A, p.Arg512His (NM_001252020.2); c.1418G>A, p.Arg473His (NM_002420.6); c.1535G>A (NM_001252020.1); short protein forms R473H, R495H, R512H.
Identifiers: ClinVar variation 1094039 (VCV001094039.14), dbSNP rs148802607, ClinGen allele CA7452551.